The following is an entry in ClinVar:

ClinVar aggregate classification (germline): Uncertain significance (1 of 4 stars; one submission).

gnomAD v4.1: 2 of 1,614,232 alleles (0.00012%); highest among the groups gnomAD compares: Admixed American, 0.0017%; no homozygotes.

Submission:

Labcorp Genetics (formerly Invitae), Labcorp
Classification: Uncertain significance. Last evaluated: 2025-10-27. Review status: criteria provided, single submitter. Criteria: Invitae Variant Classification Sherloc (09022015). Collection method: clinical testing. Allele origin: germline.
Comment: This sequence change replaces serine, which is neutral and polar, with glycine, which is neutral and non-polar, at codon 1232 of the KMT2A protein (p.Ser1232Gly). This variant is present in population databases (rs782334356, gnomAD 0.003%). This variant has not been reported in the literature in individuals affected with KMT2A-related conditions. ClinVar contains an entry for this variant (Variation ID: 3682812). Invitae Evidence Modeling of protein sequence and biophysical properties (such as structural, functional, and spatial information, amino acid conservation, physicochemical variation, residue mobility, and thermodynamic stability) indicates that this missense variant is not expected to disrupt KMT2A protein function with a negative predictive value of 95%. In summary, the available evidence is currently insufficient to determine the role of this variant in disease. Therefore, it has been classified as a Variant of Uncertain Significance.

NM_001197104.2(KMT2A):c.3694A>G (p.Ser1232Gly)

Gene: KMT2A (lysine methyltransferase 2A; plus strand). Cytogenetic location: 11q23.3.
Variant type: single nucleotide variant.
Coding change: c.3694A>G on transcript NM_001197104.2 (MANE Select); coding-DNA position 3694, A replaced by G.
Protein change: p.Ser1232Gly; replaces serine 1232 with glycine.
Molecular consequence: missense variant.
Genome position (GRCh38, 1-based): chr11:118,481,774, A>G. VCF-style: chr11-118481774-A-G. GRCh37 (hg19) VCF-style: chr11-118352489-A-G.
Other names: c.3793A>G, p.Ser1265Gly (NM_001412597.1); c.3694A>G, p.Ser1232Gly (NM_005933.4); short protein forms S1232G, S1265G.
Identifiers: ClinVar variation 3682812 (VCV003682812.2).
Genomic context (GRCh38, chr11:118,481,774, plus strand): 5'-GCTGTGAAAAAGAAAGAGAAAAAGTCTAAGACCAGTGAAAAGAAAGACAGCAAAGAGAGC[A>G]GTGTTGTGAAGAACGTGGTGGACTCTAGTCAGAAACCTACCCCATCAGCAAGAGAGGATC-3'
Protein context (NP_001184033.1, residues 1222-1242): TSEKKDSKES[Ser1232Gly]VVKNVVDSSQ